The following is an entry in ClinVar:

ClinVar aggregate classification (germline): Benign (1 of 4 stars; one submission).

Conditions:
Pheochromocytoma/paraganglioma syndrome 5. Also called: Paragangliomas 5; SDHA-Related Hereditary Paraganglioma-Pheochromocytoma Syndrome. Identifiers: Orphanet 29072, MedGen C3279992, MONDO:0013602, OMIM 614165.

Submission:

Myriad Genetics, Inc.
Classification: Benign for Pheochromocytoma/paraganglioma syndrome 5. Last evaluated: 2025-02-27. Review status: criteria provided, single submitter. Criteria: Myriad Autosomal Dominant, Autosomal Recessive and X-Linked Classification Criteria (2023). Collection method: clinical testing. Allele origin: unknown.
Comment: This variant is considered benign. This variant is intronic and is not expected to impact mRNA splicing.

NC_000005.10:g.218311_218342dup

Gene: SDHA (succinate dehydrogenase complex flavoprotein subunit A; plus strand). Cytogenetic location: 5p15.33.
Variant type: Duplication.
Genome position: GRCh38: chr5:218,311-218,342. GRCh37 (hg19): chr5:218,426-218,457.
Identifiers: ClinVar variation 3904662 (VCV003904662.1).
Genomic context (GRCh38, chr5:218,308, plus strand): 5'-TGGTGCGCAGGCGCGGTATCCCCCCTCCCCCGCCAGCTCGACCCCGGTGTGGTGCGCAGG[C>CGCAGTCTGCGCAGGGACTGGCGGGACTGCGCG]GCAGTCTGCGCAGGGACTGGCGGGACTGCGCGGCGGCAACAGCAGACATGTCGGGGGTCC-3'